The following is an entry in ClinVar:

ClinVar aggregate classification (germline): Uncertain significance (1 of 4 stars; one submission).

gnomAD v4.1: 2 of 1,581,514 alleles (0.00013%); highest among the groups gnomAD compares: South Asian, 0.0023%; no homozygotes.

Submission:

Women's Health and Genetics/Laboratory Corporation of America, LabCorp
Classification: Uncertain significance. Last evaluated: 2026-01-13. Review status: criteria provided, single submitter. Criteria: LabCorp Variant Classification Summary - May 2015. Collection method: clinical testing. Allele origin: germline.
Comment: Variant summary: GLB1 c.482G>T (p.Trp161Leu) results in a non-conservative amino acid change in the encoded protein sequence. Algorithms developed to predict the effect of missense changes on protein structure and function all suggest that this variant is likely to be disruptive. The variant allele was found at a frequency of 5e-06 in 200542 control chromosomes. The available data on variant occurrences in the general population are insufficient to allow any conclusion about variant significance. To our knowledge, no occurrence of c.482G>T in individuals affected with GLB1-related conditions and no experimental evidence demonstrating its impact on protein function have been reported. No submitters have cited clinical-significance assessments for this variant to ClinVar. Based on the evidence outlined above, the variant was classified as uncertain significance.

NM_000404.4(GLB1):c.482G>T (p.Trp161Leu)

Gene: GLB1 (galactosidase beta 1; minus strand). Cytogenetic location: 3p22.3.
Variant type: single nucleotide variant.
Coding change: c.482G>T on transcript NM_000404.4 (MANE Select); coding-DNA position 482, G replaced by T.
Protein change: p.Trp161Leu; replaces tryptophan 161 with leucine.
Molecular consequence: missense variant. On other transcripts: synonymous variant (1).
Genome position (GRCh38, 1-based): chr3:33,065,533, C>A on the plus strand (G>T on the coding strand, the complement: GLB1 is on the minus strand). VCF-style: chr3-33065533-C-A. GRCh37 (hg19) VCF-style: chr3-33107025-C-A.
Other names: c.392G>T, p.Trp131Leu (NM_001079811.3); c.270G>T, p.Val90= (NM_001135602.3); c.626G>T, p.Trp209Leu (NM_001317040.2); c.482G>T, p.Trp161Leu (NM_001393580.1); short protein forms W131L, W161L, W209L.
Identifiers: ClinVar variation 4689436 (VCV004689436.1).